The following is an entry in ClinVar:

ClinVar aggregate classification (germline): Pathogenic (1 of 4 stars; one submission).

Conditions:
Inborn genetic diseases. Identifiers: MedGen C0950123, MeSH D030342.

Submission:

Ambry Genetics
Classification: Pathogenic for Inborn genetic diseases. Last evaluated: 2026-05-06. Review status: criteria provided, single submitter. Criteria: Ambry Variant Classification Scheme 2023. Collection method: clinical testing. Allele origin: germline.
Comment: The c.3556delG (p.A1186Pfs*53) alteration, located in exon 22 (coding exon 22) of the CHD3 gene, consists of a deletion of one nucleotide at position 3556, causing a translational frameshift with a predicted alternate stop codon after 53 amino acids. This variant is expected to result in loss of function by premature protein truncation or nonsense-mediated mRNA decay. This variant was not reported in population-based cohorts in the Genome Aggregation Database (gnomAD). Based on the available evidence, this alteration is classified as pathogenic.

NM_001005273.3(CHD3):c.3379del (p.Ala1127fs)

Gene: CHD3 (chromodomain helicase DNA binding protein 3; plus strand). Cytogenetic location: 17p13.1.
Variant type: Deletion.
Coding change: c.3379del on transcript NM_001005273.3 (MANE Select); coding-DNA position 3379, one base deleted (G; older notation c.3379delG).
Protein change: p.Ala1127fs; shifts the reading frame from alanine 1127.
Molecular consequence: frameshift variant.
Genome position (GRCh38, 1-based): chr17:7,902,945, G deleted; the last of 4 consecutive G bases (chr17:7,902,942-7,902,945); deleting any one gives the same sequence. VCF-style (leftmost placement, unchanged base first): chr17-7902941-TG-T. GRCh37 (hg19) VCF-style: chr17-7806259-TG-T.
Other names: c.3556del, p.Ala1186fs (NM_001005271.3, NM_001437504.1); c.3544del, p.Ala1182fs (NM_001437507.1, NM_001437508.1, NM_001437509.1); c.3379del, p.Ala1127fs (NM_005852.4); short protein forms A1127fs, A1182fs, A1186fs.
Identifiers: ClinVar variation 4868882 (VCV004868882.1).